The following is an entry in ClinVar:

NM_001376.5(DYNC1H1):c.11795C>G (p.Ala3932Gly)

Gene: DYNC1H1 (dynein cytoplasmic 1 heavy chain 1; plus strand). Cytogenetic location: 14q32.31.
Variant type: single nucleotide variant.
Coding change: c.11795C>G on transcript NM_001376.5 (MANE Select); coding-DNA position 11795, C replaced by G.
Protein change: p.Ala3932Gly; replaces alanine 3932 with glycine.
Molecular consequence: missense variant.
Genome position (GRCh38, 1-based): chr14:102,040,340, C>G. VCF-style: chr14-102040340-C-G. GRCh37 (hg19) VCF-style: chr14-102506677-C-G.
Other names: short protein forms A3932G.
Identifiers: ClinVar variation 3702090 (VCV003702090.2).

ClinVar aggregate classification (germline): Uncertain significance (1 of 4 stars; one submission).

Conditions:
Charcot-Marie-Tooth disease axonal type 2O. Also called: CHARCOT-MARIE-TOOTH NEUROPATHY, AXONAL, TYPE 2O; CHARCOT-MARIE-TOOTH DISEASE, AXONAL, AUTOSOMAL DOMINANT, TYPE 2O; Charcot-Marie-Tooth Neuropathy Type 2O; Charcot-Marie-Tooth disease, axonal, type 20. Identifiers: Orphanet 284232, MedGen C3280220, MONDO:0013644, OMIM 614228.

Submission:

Labcorp Genetics (formerly Invitae), Labcorp
Classification: Uncertain significance for Charcot-Marie-Tooth disease axonal type 2O. Last evaluated: 2024-09-15. Review status: criteria provided, single submitter. Criteria: Invitae Variant Classification Sherloc (09022015). Collection method: clinical testing. Allele origin: germline.
Comment: This sequence change replaces alanine, which is neutral and non-polar, with glycine, which is neutral and non-polar, at codon 3932 of the DYNC1H1 protein (p.Ala3932Gly). This variant is not present in population databases (gnomAD no frequency). This variant has not been reported in the literature in individuals affected with DYNC1H1-related conditions. Invitae Evidence Modeling of protein sequence and biophysical properties (such as structural, functional, and spatial information, amino acid conservation, physicochemical variation, residue mobility, and thermodynamic stability) indicates that this missense variant is not expected to disrupt DYNC1H1 protein function with a negative predictive value of 95%. In summary, the available evidence is currently insufficient to determine the role of this variant in disease. Therefore, it has been classified as a Variant of Uncertain Significance.